The following is an entry in ClinVar:

NM_001042631.3(SDHAF1):c.309C>T (p.Asp103=)

Genes: SDHAF1 (succinate dehydrogenase complex assembly factor 1; plus strand), LOC130064281 (ATAC-STARR-seq lymphoblastoid silent region 10546; plus strand). Cytogenetic location: 19q13.12.
Variant type: single nucleotide variant.
Coding change: c.309C>T on transcript NM_001042631.3 (MANE Select); coding-DNA position 309, C replaced by T.
Protein change: p.Asp103=; no amino-acid change (aspartic acid 103 retained).
Molecular consequence: synonymous variant.
Genome position (GRCh38, 1-based): chr19:35,995,583, C>T. VCF-style: chr19-35995583-C-T. GRCh37 (hg19) VCF-style: chr19-36486485-C-T.
Other names: p.Asp103=.
Identifiers: ClinVar variation 388887 (VCV000388887.16), dbSNP rs543726300, ClinGen allele CA9393701.
Genomic context (GRCh38, chr19:35,995,583, plus strand): 5'-GGAGCCTGGCGGCGTGGGTTGCCAGCCTGACGACGGCGACAGTCCAAGGAACCCCCACGA[C>T]AGCACGGGGGCACCGGAGACCCGCCCCGACGGACGGTGACAGGCGAAGAGCCGAACTCGC-3'
Protein context (NP_001036096.2, residues 93-113): DDGDSPRNPH[Asp103=]STGAPETRPD

ClinVar aggregate classification (germline): Likely benign. Review status: criteria provided, multiple submitters, no conflicts (2 of 4 stars). 5 submissions from 5 submitters: Likely benign (5). Last evaluated 2025-12-02.

Conditions:
Inborn genetic diseases. Identifiers: MedGen C0950123, MeSH D030342.

Allele frequency attached by ClinVar (database versions not stated): ExAC 0.00009; gnomAD exomes 0.00012 and 0.00044; gnomAD 0.00025 and 0.00027; 1000 Genomes Project 0.00060; TOPMed 0.00070; 1000 Genomes Project 30x 0.00094.
gnomAD v4.1: 230 of 1,545,854 alleles (0.015%); highest among the groups gnomAD compares: Admixed American, 0.24%; no homozygotes.

Submissions (5):

Labcorp Genetics (formerly Invitae), Labcorp
Classification: Likely benign. Last evaluated: 2025-12-02. Review status: criteria provided, single submitter. Criteria: Invitae Variant Classification Sherloc (09022015). Collection method: clinical testing. Allele origin: germline.

Mayo Clinic Laboratories, Mayo Clinic
Classification: Likely benign. Last evaluated: 2025-09-15. Review status: criteria provided, single submitter. Criteria: ACMG Guidelines, 2015. Collection method: clinical testing. Allele origin: germline. Observed: 2 variant alleles.
Comment: BS1, BP4, BP7

Blueprint Genetics
Classification: Likely benign. Last evaluated: 2024-10-02. Review status: criteria provided, single submitter. Criteria: ACMG Guidelines, 2015. Collection method: clinical testing. Allele origin: germline.

Ambry Genetics
Classification: Likely benign for Inborn genetic diseases. Last evaluated: 2023-12-25. Review status: criteria provided, single submitter. Criteria: Ambry Variant Classification Scheme 2023. Collection method: clinical testing. Allele origin: germline.

GeneDx
Classification: Likely benign. Last evaluated: 2020-09-10. Review status: criteria provided, single submitter. Criteria: GeneDx Variant Classification Process June 2021. Collection method: clinical testing. Allele origin: germline. Affected: yes.